The following is an entry in ClinVar:

ClinVar aggregate classification (germline): Uncertain significance. Review status: criteria provided, multiple submitters, no conflicts (2 of 4 stars). 2 submissions from 2 submitters: Uncertain significance (2). Last evaluated 2025-04-19.

Conditions:
Cardiovascular phenotype. Identifiers: MedGen CN230736.

Allele frequency attached by ClinVar (database versions not stated): gnomAD exomes below 0.00001.

Submissions (2):

Ambry Genetics
Classification: Uncertain significance for Cardiovascular phenotype. Last evaluated: 2025-04-19. Review status: criteria provided, single submitter. Criteria: Ambry Variant Classification Scheme 2023. Collection method: clinical testing. Allele origin: germline.
Comment: The p.E148K variant (also known as c.442G>A), located in coding exon 1 of the ALPK3 gene, results from a G to A substitution at nucleotide position 442. The glutamic acid at codon 148 is replaced by lysine, an amino acid with similar properties. This variant was reported in individual(s) with features consistent with hypertrophic cardiomyopathy (Ambry internal data). This amino acid position is highly conserved in available vertebrate species. In addition, this alteration is predicted to be tolerated by in silico analysis. Based on the available evidence, the clinical significance of this variant remains unclear.

Labcorp Genetics (formerly Invitae), Labcorp
Classification: Uncertain significance. Last evaluated: 2024-06-25. Review status: criteria provided, single submitter. Criteria: Invitae Variant Classification Sherloc (09022015). Collection method: clinical testing. Allele origin: germline.
Comment: This sequence change replaces glutamic acid, which is acidic and polar, with lysine, which is basic and polar, at codon 148 of the ALPK3 protein (p.Glu148Lys). This variant is not present in population databases (gnomAD no frequency). This variant has not been reported in the literature in individuals affected with ALPK3-related conditions. ClinVar contains an entry for this variant (Variation ID: 1912585). An algorithm developed to predict the effect of missense changes on protein structure and function (PolyPhen-2) suggests that this variant is likely to be tolerated. In summary, the available evidence is currently insufficient to determine the role of this variant in disease. Therefore, it has been classified as a Variant of Uncertain Significance.

NC_000015.10:g.84817288G>A

Gene: ALPK3 (alpha kinase 3; plus strand). Cytogenetic location: 15q25.3.
Variant type: single nucleotide variant.
Genome position: GRCh38 VCF-style: chr15-84817288-G-A. GRCh37 (hg19) VCF-style: chr15-85360519-G-A.
Other names: short protein forms E148K.
Identifiers: ClinVar variation 1912585 (VCV001912585.5), dbSNP rs1963370156, ClinGen allele CA393368913.